The following is an entry in ClinVar:

ClinVar aggregate classification (germline): Likely benign (1 of 4 stars; one submission).

gnomAD v4.1: 26 of 1,613,830 alleles (0.0016%); highest among the groups gnomAD compares: South Asian, 0.019%; no homozygotes.

Submission:

CeGaT Center for Human Genetics Tuebingen
Classification: Likely benign. Last evaluated: 2025-09-01. Review status: criteria provided, single submitter. Criteria: CeGaT Center For Human Genetics Tuebingen Variant Classification Criteria Version 2. Collection method: clinical testing. Allele origin: germline. Affected: yes. Observed: 1 variant allele.
Comment: BRF1: BP4, BP7

NM_001519.4(BRF1):c.390C>T (p.His130=)

Gene: BRF1 (BRF1 general transcription factor IIIB subunit; minus strand). Cytogenetic location: 14q32.33.
Variant type: single nucleotide variant.
Coding change: c.390C>T on transcript NM_001519.4 (MANE Select); coding-DNA position 390, C replaced by T.
Protein change: p.His130=; no amino-acid change (histidine 130 retained).
Molecular consequence: synonymous variant.
Genome position (GRCh38, 1-based): chr14:105,272,770, G>A on the plus strand (C>T on the coding strand, the complement: BRF1 is on the minus strand). VCF-style: chr14-105272770-G-A. GRCh37 (hg19) VCF-style: chr14-105739107-G-A.
Other names: c.45C>T, p.His15= (NM_001242786.2, NM_001242787.2, NM_001440451.1); c.309C>T, p.His103= (NM_001242788.2); c.390C>T, p.His130= (NM_001242790.2, NM_001440449.1, NM_001440450.1).
Identifiers: ClinVar variation 4281321 (VCV004281321.7).
Genomic context (GRCh38, chr14:105,272,770, plus strand): 5'-CCAAAGGATACGCGGCGTGCCCTCCGTACGGCAGACCAGGTAGAGGCAGGCAGCAATCAC[G>A]TGGGCCATCTTCCGGCCGCGGGTCAGGTGCCTGCTCACGGCCATCTTGAAGAAGTTGAAG-3'
Protein context (NP_001510.2, residues 120-140): RHLTRGRKMA[His130=]VIAACLYLVC